The following is an entry in ClinVar:

ClinVar aggregate classification (germline): Uncertain significance (1 of 4 stars; one submission).

Allele frequency attached by ClinVar (database versions not stated): gnomAD exomes below 0.00001.

Submission:

Women's Health and Genetics/Laboratory Corporation of America, LabCorp
Classification: Uncertain significance. Last evaluated: 2023-11-21. Review status: criteria provided, single submitter. Criteria: LabCorp Variant Classification Summary - May 2015. Collection method: clinical testing. Allele origin: germline.
Comment: Variant summary: SOX4 c.1054G>A (p.Gly352Ser) results in a non-conservative amino acid change in the encoded protein sequence. Four of five in-silico tools predict a benign effect of the variant on protein function. The frequency data for this variant in gnomAD is considered unreliable, as metrics indicate poor data quality at this position. To our knowledge, no occurrence of c.1054G>A in individuals affected with Coffin-Siris Syndrome 10 and no experimental evidence demonstrating its impact on protein function have been reported. No submitters have cited clinical-significance assessments for this variant to ClinVar after 2014. Based on the evidence outlined above, the variant was classified as uncertain significance.

NM_003107.3(SOX4):c.1054G>A (p.Gly352Ser)

Gene: SOX4 (SRY-box transcription factor 4; plus strand). Cytogenetic location: 6p22.3.
Variant type: single nucleotide variant.
Coding change: c.1054G>A on transcript NM_003107.3 (MANE Select); coding-DNA position 1054, G replaced by A.
Protein change: p.Gly352Ser; replaces glycine 352 with serine.
Molecular consequence: missense variant.
Genome position (GRCh38, 1-based): chr6:21,595,588, G>A. VCF-style: chr6-21595588-G-A. GRCh37 (hg19) VCF-style: chr6-21595819-G-A.
Other names: short protein forms G352S.
Identifiers: ClinVar variation 2682218 (VCV002682218.1), dbSNP rs1403909478, ClinGen allele CA363271855.